The following is an entry in ClinVar:

ClinVar aggregate classification (germline): Benign. Review status: reviewed by expert panel (3 of 4 stars). 8 submissions from 7 submitters: Benign (1). 7 of the submissions do not count toward it. Last evaluated 2024-04-22.

Conditions:
Leber congenital amaurosis (LCA). Also called: Leber's amaurosis. Identifiers: Orphanet 65, MedGen C0339527, MeSH D057130, MONDO:0018998.
RPE65-related recessive retinopathy. Also called: Recessive RPE65 retinopathy. Identifiers: MedGen CN305526, MONDO:0100368.
Retinitis pigmentosa 20 (RP20). Identifiers: Orphanet 791, MedGen C3151086, MONDO:0013425, OMIM 613794.
Leber congenital amaurosis 2 (LCA2). Also called: AMAUROSIS CONGENITA OF LEBER II; Autosomal Recessive RPE65-Related Retinal Degeneration. Identifiers: Orphanet 65, MedGen C1859844, MONDO:0008765, OMIM 204100. Disease mechanism: loss of function.
Retinitis pigmentosa (RP). Identifiers: Orphanet 791, MedGen C0035334, MeSH D012174, MONDO:0019200, OMIM 268000. Inheritance: Autosomal dominant, autosomal recessive and X linked inheritance.

Allele frequency attached by ClinVar (database versions not stated): gnomAD exomes 0.00059 and 0.00167; ExAC 0.00200; 1000 Genomes Project 0.00479; 1000 Genomes Project 30x 0.00500; gnomAD 0.00664 and 0.00728; ESP Exome Variant Server 0.00730; TOPMed 0.00747.
gnomAD v4.1: 1,905 of 1,614,178 alleles (0.12%); highest among the groups gnomAD compares: African/African-American, 2.3%; 21 homozygotes.

Submissions (8):

ClinGen Leber Congenital Amaurosis/early Onset Retinal Dystrophy Variant Curation Expert Panel, ClinGen
Classification: Benign for RPE65-related recessive retinopathy. Last evaluated: 2024-04-22. Review status: reviewed by expert panel. Criteria: ClinGen LCAeoRD ACMG Specifications RPE65 V1.0.0. Collection method: curation. Allele origin: germline. Inheritance: Autosomal recessive inheritance.
Comment: NM_000329.3(RPE65):c.399T>C (p.Leu133=) is a synonymous variant located in exon 5. This variant is present in gnomAD v.4.0.0 at a GrpMax allele frequency of 0.02168, with 1732 alleles/75042 total alleles in the African/African-American population, which is higher than the ClinGen LCA / eoRD VCEP BA1 threshold of >0.008 (BA1). Additionally, there are 20 homozygotes in this population. The splicing impact predictor SpliceAI gives delta scores of 0.07 for acceptor gain and donor gain, which are below the ClinGen LCA / eoRD VCEP recommended threshold of <0.1 and do not predict an impact on splicing (BP4, BP7). In summary, this variant meets the criteria to be classified as benign for RPE65-related recessive retinopathy based on the ACMG/AMP criteria applied, as specified by the ClinGen LCA / eoRD VCEP: BA1, BP4, and BP7. (VCEP specifications version 1.0.0; date of approval 09/21/2023).

Labcorp Genetics (formerly Invitae), Labcorp
Classification: Benign for Leber congenital amaurosis 2; Retinitis pigmentosa 20. Last evaluated: 2026-01-31. Review status: criteria provided, single submitter. Criteria: Invitae Variant Classification Sherloc (09022015). Collection method: clinical testing. Allele origin: germline. Not counted in ClinVar's aggregate classification.

Blueprint Genetics
Classification: Likely benign. Last evaluated: 2024-11-13. Review status: criteria provided, single submitter. Criteria: ACMG Guidelines, 2015. Collection method: clinical testing. Allele origin: germline. Not counted in ClinVar's aggregate classification.

Illumina Laboratory Services, Illumina
Classification: Uncertain significance for Retinitis pigmentosa. Last evaluated: 2017-04-27. Review status: criteria provided, single submitter. Criteria: ICSL Variant Classification Criteria 13 December 2019. Collection method: clinical testing. Allele origin: germline. Not counted in ClinVar's aggregate classification.
Comment: This variant was observed as part of a predisposition screen in an ostensibly healthy population. A literature search was performed for the gene, cDNA change, and amino acid change (where applicable). Publications were found based on this search. However, the evidence from the literature, in combination with allele frequency data from public databases where available, was not sufficient to rule this variant in or out of causing disease. Therefore, this variant is classified as a variant of unknown significance.

Illumina Laboratory Services, Illumina
Classification: Likely benign for Leber congenital amaurosis 2. Last evaluated: 2017-04-27. Review status: criteria provided, single submitter. Criteria: ICSL Variant Classification Criteria 13 December 2019. Collection method: clinical testing. Allele origin: germline. Not counted in ClinVar's aggregate classification.
Comment: This variant was observed as part of a predisposition screen in an ostensibly healthy population. A literature search was performed for the gene, cDNA change, and amino acid change (where applicable). Publications were found based on this search. The evidence from the literature, in combination with allele frequency data from public databases where available, was sufficient to determine this variant is unlikely to cause disease. Therefore, this variant is classified as likely benign.

GeneDx
Classification: Benign. Last evaluated: 2015-03-03. Review status: criteria provided, single submitter. Criteria: GeneDx Variant Classification Process June 2021. Collection method: clinical testing. Allele origin: germline. Affected: yes. Not counted in ClinVar's aggregate classification.

Natera, Inc.
Classification: Benign for Leber congenital amaurosis. Last evaluated: 2020-09-16. Review status: no assertion criteria provided. Collection method: clinical testing. Allele origin: germline. Not counted in ClinVar's aggregate classification.

Retina International
No classification provided. Review status: no classification provided. Collection method: not provided. Allele origin: not provided. Not counted in ClinVar's aggregate classification.

Literature cited by the submitters: PubMed 9501220 (cited by Illumina Laboratory Services, Illumina).

NM_000329.3(RPE65):c.399T>C (p.Leu133=)

Gene: RPE65 (retinoid isomerohydrolase RPE65; minus strand). Cytogenetic location: 1p31.3.
Variant type: single nucleotide variant.
Coding change: c.399T>C on transcript NM_000329.3 (MANE Select); coding-DNA position 399, T replaced by C.
Protein change: p.Leu133=; no amino-acid change (leucine 133 retained).
Molecular consequence: synonymous variant.
Genome position (GRCh38, 1-based): chr1:68,444,627, A>G on the plus strand (T>C on the coding strand, the complement: RPE65 is on the minus strand). VCF-style: chr1-68444627-A-G. GRCh37 (hg19) VCF-style: chr1-68910310-A-G.
Other names: NM_000329.3(RPE65):c.399T>C; p.Leu133=.
Identifiers: ClinVar variation 98867 (VCV000098867.19), dbSNP rs59257923, ClinGen allele CA226548.